The following is an entry in ClinVar:

NM_002709.3(PPP1CB):c.956G>A (p.Arg319Gln)

Gene: PPP1CB (protein phosphatase 1 catalytic subunit beta; plus strand). Cytogenetic location: 2p23.2.
Variant type: single nucleotide variant.
Coding change: c.956G>A on transcript NM_002709.3 (MANE Select); coding-DNA position 956, G replaced by A.
Protein change: p.Arg319Gln; replaces arginine 319 with glutamine.
Molecular consequence: missense variant.
Genome position (GRCh38, 1-based): chr2:28,799,275, G>A. VCF-style: chr2-28799275-G-A. GRCh37 (hg19) VCF-style: chr2-29022141-G-A.
Other names: c.956G>A, p.Arg319Gln (NM_206876.2); short protein forms R319Q.
Identifiers: ClinVar variation 2992305 (VCV002992305.3), dbSNP rs2465762759, ClinGen allele CA346584211.
Genomic context (GRCh38, chr2:28,799,275, plus strand): 5'-AAAAGAAAGCTAAATACCAGTATGGTGGACTGAATTCTGGACGTCCTGTCACTCCACCTC[G>A]AACAGCTAATCCGCCGAAGAAAAGGTGAAGAAAGGAATTCTGTAAAGAAACCATCAGATT-3'
Protein context (NP_002700.1, residues 309-327): LNSGRPVTPP[Arg319Gln]TANPPKKR

ClinVar aggregate classification (germline): Uncertain significance (1 of 4 stars; one submission).

Submission:

Labcorp Genetics (formerly Invitae), Labcorp
Classification: Uncertain significance. Last evaluated: 2023-03-23. Review status: criteria provided, single submitter. Criteria: Invitae Variant Classification Sherloc (09022015). Collection method: clinical testing. Allele origin: germline.
Comment: This sequence change replaces arginine, which is basic and polar, with glutamine, which is neutral and polar, at codon 319 of the PPP1CB protein (p.Arg319Gln). This variant is not present in population databases (gnomAD no frequency). This variant has not been reported in the literature in individuals affected with PPP1CB-related conditions. An algorithm developed to predict the effect of missense changes on protein structure and function (PolyPhen-2) suggests that this variant is likely to be tolerated. In summary, the available evidence is currently insufficient to determine the role of this variant in disease. Therefore, it has been classified as a Variant of Uncertain Significance.